The following is an entry in ClinVar:

NM_152743.4(BRAT1):c.679C>T (p.Arg227Cys)

Gene: BRAT1 (BRCA1 associated ATM activator 1; minus strand). Cytogenetic location: 7p22.3.
Variant type: single nucleotide variant.
Coding change: c.679C>T on transcript NM_152743.4 (MANE Select); coding-DNA position 679, C replaced by T.
Protein change: p.Arg227Cys; replaces arginine 227 with cysteine.
Molecular consequence: missense variant. On other transcripts: non-coding transcript variant (1).
Genome position (GRCh38, 1-based): chr7:2,543,714, G>A on the plus strand (C>T on the coding strand, the complement: BRAT1 is on the minus strand). VCF-style: chr7-2543714-G-A. GRCh37 (hg19) VCF-style: chr7-2583348-G-A.
Other names: c.679C>T, p.Arg227Cys (NM_001350626.2); c.154C>T, p.Arg52Cys (NM_001350627.2); short protein forms R227C, R52C.
Identifiers: ClinVar variation 472977 (VCV000472977.15), dbSNP rs79263074, ClinGen allele CA4128125.
Genomic context (GRCh38, chr7:2,543,714, plus strand): 5'-GACAGGCCACGCGGGGACTCAGCCGCACCCACAGGGCTTCCGTCCAGGGGCTCTGGCAGC[G>A]CCCGAAGGTCGTGGTCAGGACGTTCAGGGCCTGAGTGACCTTGGGGGTGGCCGCGGAGCA-3'
Protein context (NP_689956.2, residues 217-237): ALNVLTTTFG[Arg227Cys]CQSPWTEALW

ClinVar aggregate classification (germline): Conflicting classifications of pathogenicity. Review status: criteria provided, conflicting classifications (1 of 4 stars). 2 submissions from 2 submitters: Uncertain significance (1); Likely benign (1). Last evaluated 2025-12-15.

Conditions:
Neonatal-onset encephalopathy with rigidity and seizures. Also called: Lethal neonatal spasticity-epileptic encephalopathy syndrome. Identifiers: Orphanet 435845, MedGen C3281029, MONDO:0013784, OMIM 614498.

Allele frequency attached by ClinVar (database versions not stated): TOPMed 0.00011; gnomAD exomes 0.00042 and 0.00063; ExAC 0.00057; 1000 Genomes Project 30x 0.00141; 1000 Genomes Project 0.00180; gnomAD 0.00010.

Submissions (2):

Labcorp Genetics (formerly Invitae), Labcorp
Classification: Likely benign for Neonatal-onset encephalopathy with rigidity and seizures. Last evaluated: 2025-12-15. Review status: criteria provided, single submitter. Criteria: Invitae Variant Classification Sherloc (09022015). Collection method: clinical testing. Allele origin: germline.

GeneDx
Classification: Uncertain significance. Last evaluated: 2022-02-21. Review status: criteria provided, single submitter. Criteria: GeneDx Variant Classification Process June 2021. Collection method: clinical testing. Allele origin: germline. Affected: yes.
Comment: Reported previously in an individual with Dravet syndrome; however, a second BRAT1 variant was not identified, and the patient was found to have a variant in the SCN1A gene (Kim et al., 2018); In silico analysis supports that this missense variant has a deleterious effect on protein structure/function; This variant is associated with the following publications: (PMID: 29295803)